The following is an entry in ClinVar:

NM_014141.6(CNTNAP2):c.1348+5G>C

Gene: CNTNAP2 (contactin associated protein 2; plus strand). Cytogenetic location: 7q35.
Variant type: single nucleotide variant.
Coding change: c.1348+5G>C on transcript NM_014141.6 (MANE Select); 5 bases into the intron after coding-DNA position 1348, G replaced by C.
Molecular consequence: intron variant.
Genome position (GRCh38, 1-based): chr7:147,132,514, G>C. VCF-style: chr7-147132514-G-C. GRCh37 (hg19) VCF-style: chr7-146829606-G-C.
Identifiers: ClinVar variation 2721800 (VCV002721800.3), dbSNP rs375844898, ClinGen allele CA168690914.

ClinVar aggregate classification (germline): Uncertain significance (1 of 4 stars; one submission).

Conditions:
Cortical dysplasia-focal epilepsy syndrome (PTHSL1). Also called: Pitt-Hopkins-like syndrome 1. Identifiers: Orphanet 163681, Orphanet 221150, MedGen C2750246, MONDO:0012400, OMIM 610042.

Allele frequency attached by ClinVar (database versions not stated): gnomAD 0.00001; ESP Exome Variant Server 0.00008.
gnomAD v4.1: 1 of 1,613,336 alleles (0.000062%); highest among the groups gnomAD compares: Admixed American, 0.0017%; no homozygotes.

Submission:

Labcorp Genetics (formerly Invitae), Labcorp
Classification: Uncertain significance for Cortical dysplasia-focal epilepsy syndrome. Last evaluated: 2024-07-01. Review status: criteria provided, single submitter. Criteria: Invitae Variant Classification Sherloc (09022015). Collection method: clinical testing. Allele origin: germline.
Comment: This sequence change falls in intron 8 of the CNTNAP2 gene. It does not directly change the encoded amino acid sequence of the CNTNAP2 protein. It affects a nucleotide within the consensus splice site. This variant is not present in population databases (gnomAD no frequency). This variant has been observed in individual(s) with clinical features of CNTNAP2-related condition(s) (Invitae). Variants that disrupt the consensus splice site are a relatively common cause of aberrant splicing (PMID: 17576681, 9536098). Algorithms developed to predict the effect of sequence changes on RNA splicing suggest that this variant may disrupt the consensus splice site. In summary, the available evidence is currently insufficient to determine the role of this variant in disease. Therefore, it has been classified as a Variant of Uncertain Significance.

Literature cited by the submitters: PubMed 17576681; PubMed 9536098.